The following is an entry in ClinVar:

NM_003482.4(KMT2D):c.10148G>T (p.Gly3383Val)

Gene: KMT2D (lysine methyltransferase 2D; minus strand). Cytogenetic location: 12q13.12.
Variant type: single nucleotide variant.
Coding change: c.10148G>T on transcript NM_003482.4 (MANE Select); coding-DNA position 10148, G replaced by T.
Protein change: p.Gly3383Val; replaces glycine 3383 with valine.
Molecular consequence: missense variant.
Genome position (GRCh38, 1-based): chr12:49,037,208, C>A on the plus strand (G>T on the coding strand, the complement: KMT2D is on the minus strand). VCF-style: chr12-49037208-C-A. GRCh37 (hg19) VCF-style: chr12-49430991-C-A.
Other names: short protein forms G3383V.
Identifiers: ClinVar variation 2988792 (VCV002988792.3), dbSNP rs776462586, ClinGen allele CA384732042.

ClinVar aggregate classification (germline): Uncertain significance (1 of 4 stars; one submission).

Conditions:
Kabuki syndrome. Also called: Kabuki make-up syndrome; NIIKAWA-KUROKI SYNDROME. Identifiers: Orphanet 2322, MedGen C0796004, MONDO:0016512.

Submission:

Labcorp Genetics (formerly Invitae), Labcorp
Classification: Uncertain significance for Kabuki syndrome. Last evaluated: 2024-01-18. Review status: criteria provided, single submitter. Criteria: Invitae Variant Classification Sherloc (09022015). Collection method: clinical testing. Allele origin: germline.
Comment: This sequence change replaces glycine, which is neutral and non-polar, with valine, which is neutral and non-polar, at codon 3383 of the KMT2D protein (p.Gly3383Val). This variant is not present in population databases (gnomAD no frequency). This variant has not been reported in the literature in individuals affected with KMT2D-related conditions. Advanced modeling of protein sequence and biophysical properties (such as structural, functional, and spatial information, amino acid conservation, physicochemical variation, residue mobility, and thermodynamic stability) performed at Invitae indicates that this missense variant is not expected to disrupt KMT2D protein function with a negative predictive value of 95%. In summary, the available evidence is currently insufficient to determine the role of this variant in disease. Therefore, it has been classified as a Variant of Uncertain Significance.